The following is an entry in ClinVar:

NM_004960.4(FUS):c.1498G>A (p.Gly500Ser)

Gene: FUS (FUS RNA binding protein; plus strand). Cytogenetic location: 16p11.2.
Variant type: single nucleotide variant.
Coding change: c.1498G>A on transcript NM_004960.4 (MANE Select); coding-DNA position 1498, G replaced by A.
Protein change: p.Gly500Ser; replaces glycine 500 with serine.
Molecular consequence: missense variant. On other transcripts: non-coding transcript variant (1).
Genome position (GRCh38, 1-based): chr16:31,191,067, G>A. VCF-style: chr16-31191067-G-A. GRCh37 (hg19) VCF-style: chr16-31202388-G-A.
Other names: c.1495G>A, p.Gly499Ser (NM_001170634.1); c.1486G>A, p.Gly496Ser (NM_001170937.1); short protein forms G496S, G499S, G500S.
Identifiers: ClinVar variation 2585686 (VCV002585686.2), dbSNP rs566211402, ClinGen allele CA395675984.

ClinVar aggregate classification (germline): Uncertain significance (1 of 4 stars; one submission).

Conditions:
Inborn genetic diseases. Identifiers: MedGen C0950123, MeSH D030342.

Submission:

Ambry Genetics
Classification: Uncertain significance for Inborn genetic diseases. Last evaluated: 2023-08-29. Review status: criteria provided, single submitter. Criteria: Ambry Variant Classification Scheme 2023. Collection method: clinical testing. Allele origin: germline.
Comment: The p.G500S variant (also known as c.1498G>A), located in coding exon 14 of the FUS gene, results from a G to A substitution at nucleotide position 1498. The glycine at codon 500 is replaced by serine, an amino acid with similar properties. This amino acid position is conserved. In addition, this alteration is predicted to be deleterious by in silico analysis. Since supporting evidence is limited at this time, the clinical significance of this alteration remains unclear.